The following is an entry in ClinVar:

ClinVar aggregate classification (germline): Uncertain significance (1 of 4 stars; one submission).

Conditions:
Malignant hyperthermia, susceptibility to, 1 (MHS1). Also called: RYR1-Related Malignant Hyperthermia Susceptibility; Malignant hyperthermia suceptibility 1; Anesthesia related hyperthermia; Malignant hyperpyrexia; Fulminating hyperpyrexia; Pharmacogenic myopathy. Identifiers: Orphanet 423, MedGen C2930980, MONDO:0007783, OMIM 145600.

gnomAD v4.1: 3 of 1,613,968 alleles (0.00019%); no homozygotes.

Submission:

Color Diagnostics, LLC DBA Color Health
Classification: Uncertain significance for Malignant hyperthermia, susceptibility to, 1. Last evaluated: 2025-09-22. Review status: criteria provided, single submitter. Criteria: ACMG Guidelines, 2015. Collection method: clinical testing. Allele origin: germline.
Comment: This variant changes 1 nucleotide in exon 35 of the RYR1 gene, creating a premature translation stop signal. This variant is expected to result in an absent or non-functional protein product. To our knowledge, this variant has not been reported in individuals affected with RYR1-related disorders in the literature. This variant has been identified in 3/248866 chromosomes in the general population by the Genome Aggregation Database (gnomAD). Loss of RYR1 gene function due to haploinsufficiency is not an established disease mechanism for autosomal dominant malignant hyperthermia susceptibility. Therefore, this variant is classified as a Variant of Uncertain Significance.

NM_000540.3(RYR1):c.5782C>T (p.Gln1928Ter)

Gene: RYR1 (ryanodine receptor 1; plus strand). Cytogenetic location: 19q13.2.
Variant type: single nucleotide variant.
Coding change: c.5782C>T on transcript NM_000540.3 (MANE Select); coding-DNA position 5782, C replaced by T.
Protein change: p.Gln1928Ter; replaces glutamine 1928 with a stop codon.
Molecular consequence: nonsense.
Genome position (GRCh38, 1-based): chr19:38,489,411, C>T. VCF-style: chr19-38489411-C-T. GRCh37 (hg19) VCF-style: chr19-38980051-C-T.
Other names: c.5782C>T, p.Gln1928Ter (NM_001042723.2); short protein forms Q1928*.
Identifiers: ClinVar variation 4758476 (VCV004758476.1).